The following is an entry in ClinVar:

NM_017617.5(NOTCH1):c.3510+3G>A

Gene: NOTCH1 (notch receptor 1; minus strand). Cytogenetic location: 9q34.3.
Variant type: single nucleotide variant.
Coding change: c.3510+3G>A on transcript NM_017617.5 (MANE Select); 3 bases into the intron after coding-DNA position 3510, G replaced by A.
Molecular consequence: intron variant.
Genome position (GRCh38, 1-based): chr9:136,507,952, C>T on the plus strand (G>A on the coding strand, the complement: NOTCH1 is on the minus strand). VCF-style: chr9-136507952-C-T. GRCh37 (hg19) VCF-style: chr9-139402404-C-T.
Other names: c.3510+3G>A (LRG_1122t1).
Identifiers: ClinVar variation 477915 (VCV000477915.59), dbSNP rs372739350, ClinGen allele CA5340912.

ClinVar aggregate classification (germline): Conflicting classifications of pathogenicity. Review status: criteria provided, conflicting classifications (1 of 4 stars). 9 submissions from 9 submitters: Uncertain significance (4); Likely benign (3). 2 of the submissions do not count toward it. Last evaluated 2025-12-03.

Conditions:
Adams-Oliver syndrome 5 (AOS5). Identifiers: Orphanet 974, MedGen C4014970, MONDO:0014459, OMIM 616028.
Familial thoracic aortic aneurysm and aortic dissection (TAAD). Also called: Thoracic aortic aneurysms and dissections. Identifiers: Orphanet 91387, MedGen C4707243, MONDO:0019625.
Aortic valve disease 1 (AOVD1). Identifiers: MedGen C3887892, MONDO:0024523, OMIM 109730.

Allele frequency attached by ClinVar (database versions not stated): gnomAD 0.00003; TOPMed 0.00007; ExAC 0.00010; ESP Exome Variant Server 0.00024.

Submissions (9):

Labcorp Genetics (formerly Invitae), Labcorp
Classification: Uncertain significance for Adams-Oliver syndrome 5. Last evaluated: 2025-12-03. Review status: criteria provided, single submitter. Criteria: Invitae Variant Classification Sherloc (09022015). Collection method: clinical testing. Allele origin: germline.
Comment: This sequence change falls in intron 21 of the NOTCH1 gene. It does not directly change the encoded amino acid sequence of the NOTCH1 protein. It affects a nucleotide within the consensus splice site. The frequency data for this variant in the population databases is considered unreliable, as metrics indicate poor data quality at this position in the gnomAD database. This variant has not been reported in the literature in individuals affected with NOTCH1-related conditions. ClinVar contains an entry for this variant (Variation ID: 477915). Variants that disrupt the consensus splice site are a relatively common cause of aberrant splicing (PMID: 17576681, 9536098). Algorithms developed to predict the effect of sequence changes on RNA splicing suggest that this variant is not likely to affect RNA splicing. In summary, the available evidence is currently insufficient to determine the role of this variant in disease. Therefore, it has been classified as a Variant of Uncertain Significance.

Blueprint Genetics
Classification: Likely benign. Last evaluated: 2024-04-23. Review status: criteria provided, single submitter. Criteria: ACMG Guidelines, 2015. Collection method: clinical testing. Allele origin: germline.

ARUP Laboratories, Molecular Genetics and Genomics, ARUP Laboratories
Classification: Likely benign. Last evaluated: 2023-09-15. Review status: criteria provided, single submitter. Criteria: ARUP Molecular Germline Variant Investigation Process 2024. Collection method: clinical testing. Allele origin: germline.

Ambry Genetics
Classification: Uncertain significance for Familial thoracic aortic aneurysm and aortic dissection. Last evaluated: 2023-08-14. Review status: criteria provided, single submitter. Criteria: Ambry Variant Classification Scheme 2023. Collection method: clinical testing. Allele origin: germline.
Comment: The c.3510+3G>A intronic variant results from a G to A substitution 3 nucleotides after coding exon 21 in the NOTCH1 gene. This nucleotide position is not well conserved in available vertebrate species. In silico splice site analysis predicts that this alteration will not have any significant effect on splicing. Since supporting evidence is limited at this time, the clinical significance of this alteration remains unclear.

GeneDx
Classification: Likely benign. Last evaluated: 2020-10-27. Review status: criteria provided, single submitter. Criteria: GeneDx Variant Classification Process June 2021. Collection method: clinical testing. Allele origin: germline. Affected: yes.

Fulgent Genetics
Classification: Uncertain significance for Aortic valve disease 1; Adams-Oliver syndrome 5. Last evaluated: 2018-10-31. Review status: criteria provided, single submitter. Criteria: ACMG Guidelines, 2015. Collection method: clinical testing. Allele origin: unknown.

CeGaT Center for Human Genetics Tuebingen
Classification: Uncertain significance. Last evaluated: 2018-01-01. Review status: criteria provided, single submitter. Criteria: CeGaT Center For Human Genetics Tuebingen Variant Classification Criteria Version 2. Collection method: clinical testing. Allele origin: germline. Affected: yes. Observed: 1 variant allele.

Clinical Genetics DNA and cytogenetics Diagnostics Lab, Erasmus MC, Erasmus Medical Center
Classification: Likely benign. Review status: no assertion criteria provided. Collection method: clinical testing. Allele origin: germline. Affected: yes. Study: VKGL Data-share Consensus. Not counted in ClinVar's aggregate classification.

Joint Genome Diagnostic Labs from Nijmegen and Maastricht, Radboudumc and MUMC+
Classification: Likely benign. Review status: no assertion criteria provided. Collection method: clinical testing. Allele origin: germline. Affected: yes. Study: VKGL Data-share Consensus. Not counted in ClinVar's aggregate classification.

Literature cited by the submitters: PubMed 17576681 (cited by Labcorp Genetics (formerly Invitae), Labcorp); PubMed 9536098 (cited by Labcorp Genetics (formerly Invitae), Labcorp).